The following is an entry in ClinVar:

ClinVar aggregate classification (germline): Conflicting classifications of pathogenicity. Review status: criteria provided, conflicting classifications (1 of 4 stars). 10 submissions from 10 submitters: Uncertain significance (9); Likely benign (1). Last evaluated 2025-12-09.

Conditions:
Juvenile polyposis syndrome (JPS). Identifiers: Orphanet 2929, MedGen C0345893, MONDO:0017380, OMIM 174900.
Polyposis syndrome, hereditary mixed, 2. Identifiers: Orphanet 157794, MedGen C1864730, MONDO:0012405, OMIM 610069.
Hereditary cancer-predisposing syndrome. Also called: Neoplastic Syndromes, Hereditary; Hereditary Cancer Syndrome; Hereditary neoplastic syndrome; Tumor predisposition. Identifiers: Orphanet 140162, MedGen C0027672, MeSH D009386, MONDO:0015356.
Generalized juvenile polyposis/juvenile polyposis coli. Also called: Juvenile polyposis coli. Identifiers: Orphanet 329971, MedGen C1868081, MONDO:0008276.

Allele frequency attached by ClinVar (database versions not stated): gnomAD exomes below 0.00001 and 0.00001; gnomAD 0.00001; TOPMed 0.00002.

Submissions (10):

Labcorp Genetics (formerly Invitae), Labcorp
Classification: Uncertain significance for Juvenile polyposis syndrome. Last evaluated: 2025-12-09. Review status: criteria provided, single submitter. Criteria: Invitae Variant Classification Sherloc (09022015). Collection method: clinical testing. Allele origin: germline.
Comment: This sequence change replaces arginine, which is basic and polar, with cysteine, which is neutral and slightly polar, at codon 442 of the BMPR1A protein (p.Arg442Cys). This variant is present in population databases (rs587782496, gnomAD 0.008%). This variant has not been reported in the literature in individuals affected with BMPR1A-related conditions. ClinVar contains an entry for this variant (Variation ID: 142486). Invitae Evidence Modeling incorporating data from in vitro experimental studies (internal data) indicates that this missense variant is not expected to disrupt BMPR1A function with a negative predictive value of 95%. In summary, the available evidence is currently insufficient to determine the role of this variant in disease. Therefore, it has been classified as a Variant of Uncertain Significance.

Women's Health and Genetics/Laboratory Corporation of America, LabCorp
Classification: Uncertain significance. Last evaluated: 2024-05-13. Review status: criteria provided, single submitter. Criteria: LabCorp Variant Classification Summary - May 2015. Collection method: clinical testing. Allele origin: germline.
Comment: Variant summary: BMPR1A c.1324C>T (p.Arg442Cys) results in a non-conservative amino acid change in the encoded protein sequence. Five of five in-silico tools predict a damaging effect of the variant on protein function. The variant allele was found at a frequency of 4e-06 in 251494 control chromosomes. The available data on variant occurrences in the general population are insufficient to allow any conclusion about variant significance. To our knowledge, no occurrence of c.1324C>T in individuals affected with Juvenile Polyposis Syndrome and no experimental evidence demonstrating its impact on protein function have been reported. ClinVar contains an entry for this variant (Variation ID: 142486). Based on the evidence outlined above, the variant was classified as uncertain significance.

Fulgent Genetics
Classification: Uncertain significance for Juvenile polyposis syndrome; Polyposis syndrome, hereditary mixed, 2. Last evaluated: 2024-05-06. Review status: criteria provided, single submitter. Criteria: ACMG Guidelines, 2015. Collection method: clinical testing. Allele origin: germline.

Molecular Pathology, Peter Maccallum Cancer Centre
Classification: Uncertain significance for Generalized juvenile polyposis/juvenile polyposis coli. Last evaluated: 2024-03-27. Review status: criteria provided, single submitter. Criteria: ACMG Guidelines, 2015. Collection method: clinical testing. Allele origin: germline. Inheritance: Autosomal dominant inheritance.

All of Us Research Program, National Institutes of Health
Classification: Uncertain significance for Juvenile polyposis syndrome. Last evaluated: 2024-03-24. Review status: criteria provided, single submitter. Criteria: ACMG Guidelines, 2015. Collection method: clinical testing. Allele origin: germline. Inheritance: Autosomal dominant inheritance. Observed: 3 variant alleles, 3 heterozygotes.
Comment: This missense variant replaces arginine with cysteine at codon 442 of the BMPR1A protein. Computational prediction suggests that this variant may have deleterious impact on protein structure and function (internally defined REVEL score threshold >= 0.7, PMID: 27666373). To our knowledge, functional studies have not been reported for this variant. This variant has not been reported in individuals affected with BMPR1A-related disorders in the literature. This variant has been identified in 2/282900 chromosomes in the general population by the Genome Aggregation Database (gnomAD). The available evidence is insufficient to determine the role of this variant in disease conclusively. Therefore, this variant is classified as a Variant of Uncertain Significance.

This study involves interpretation of variants in research participants for the purpose of population health screening. Participant phenotype was not available at the time of variant classification. Additional details can be found in publication PMID: 35346344, PMCID: PMC8962531

Color Diagnostics, LLC DBA Color Health
Classification: Uncertain significance for Hereditary cancer-predisposing syndrome. Last evaluated: 2024-02-14. Review status: criteria provided, single submitter. Criteria: ACMG Guidelines, 2015. Collection method: clinical testing. Allele origin: germline.
Comment: This missense variant replaces arginine with cysteine at codon 442 of the BMPR1A protein. Computational prediction suggests that this variant may have deleterious impact on protein structure and function (internally defined REVEL score threshold >= 0.7, PMID: 27666373). To our knowledge, functional studies have not been reported for this variant. This variant has not been reported in individuals affected with BMPR1A-related disorders in the literature. This variant has been identified in 2/282900 chromosomes in the general population by the Genome Aggregation Database (gnomAD). The available evidence is insufficient to determine the role of this variant in disease conclusively. Therefore, this variant is classified as a Variant of Uncertain Significance.

GeneDx
Classification: Uncertain significance. Last evaluated: 2023-12-14. Review status: criteria provided, single submitter. Criteria: GeneDx Variant Classification Process June 2021. Collection method: clinical testing. Allele origin: germline. Affected: yes.
Comment: Not observed at significant frequency in large population cohorts (gnomAD); In silico analysis supports that this missense variant has a deleterious effect on protein structure/function; This variant is associated with the following publications: (PMID: 31727138)

Baylor Genetics
Classification: Uncertain significance for Polyposis syndrome, hereditary mixed, 2. Last evaluated: 2023-09-21. Review status: criteria provided, single submitter. Criteria: ACMG Guidelines, 2015. Collection method: clinical testing. Allele origin: unknown.

Ambry Genetics
Classification: Likely benign for Hereditary cancer-predisposing syndrome. Last evaluated: 2023-04-12. Review status: criteria provided, single submitter. Criteria: Ambry Variant Classification Scheme 2023. Collection method: clinical testing. Allele origin: germline.

Quest Diagnostics Nichols Institute San Juan Capistrano
Classification: Uncertain significance. Last evaluated: 2021-04-20. Review status: criteria provided, single submitter. Criteria: Quest Diagnostics criteria. Collection method: clinical testing. Allele origin: unknown.

Literature cited by the submitters: PubMed 31727138 (cited by Quest Diagnostics Nichols Institute San Juan Capistrano).

NM_004329.3(BMPR1A):c.1324C>T (p.Arg442Cys)

Gene: BMPR1A (bone morphogenetic protein receptor type 1A; plus strand). Cytogenetic location: 10q23.2.
Variant type: single nucleotide variant.
Coding change: c.1324C>T on transcript NM_004329.3 (MANE Select); coding-DNA position 1324, C replaced by T.
Protein change: p.Arg442Cys; replaces arginine 442 with cysteine.
Molecular consequence: missense variant.
Genome position (GRCh38, 1-based): chr10:86,921,677, C>T. VCF-style: chr10-86921677-C-T. GRCh37 (hg19) VCF-style: chr10-88681434-C-T.
Other names: short protein forms R442C.
Identifiers: ClinVar variation 142486 (VCV000142486.30), dbSNP rs587782496, ClinGen allele CA168488.
Genomic context (GRCh38, chr10:86,921,677, plus strand): 5'-TTCCAGCCCTACATCATGGCTGACATCTACAGCTTCGGCCTAATCATTTGGGAGATGGCT[C>T]GTCGTTGTATCACAGGAGGTGGGAGTTTGAGTAGTTTCTGATTATGTTGATTTACTCATC-3'
Protein context (NP_004320.2, residues 432-452): SFGLIIWEMA[Arg442Cys]RCITGGIVEE